The following is an entry in ClinVar:

NM_000051.4(ATM):c.3149T>G (p.Leu1050Arg)

Gene: ATM (ATM serine/threonine kinase; plus strand). Cytogenetic location: 11q22.3.
Variant type: single nucleotide variant.
Coding change: c.3149T>G on transcript NM_000051.4 (MANE Select); coding-DNA position 3149, T replaced by G.
Protein change: p.Leu1050Arg; replaces leucine 1050 with arginine.
Molecular consequence: missense variant.
Genome position (GRCh38, 1-based): chr11:108,272,603, T>G. VCF-style: chr11-108272603-T-G. GRCh37 (hg19) VCF-style: chr11-108143330-T-G.
Other names: c.3149T>G, p.Leu1050Arg (NM_001351834.2); short protein forms L1050R.
Identifiers: ClinVar variation 629982 (VCV000629982.14), dbSNP rs1555085890, ClinGen allele CA382515385.

ClinVar aggregate classification (germline): Uncertain significance. Review status: criteria provided, multiple submitters, no conflicts (2 of 4 stars). 4 submissions from 4 submitters: Uncertain significance (4). Last evaluated 2025-05-25.

Conditions:
Familial cancer of breast. Also called: BREAST CANCER, FAMILIAL; Hereditary breast cancer; hereditary breast carcinoma. Identifiers: Orphanet 227535, MedGen C0346153, MONDO:0016419, OMIM 114480. Disease mechanism: loss of function.
Hereditary cancer-predisposing syndrome. Also called: Tumor predisposition; Neoplastic Syndromes, Hereditary; Hereditary Cancer Syndrome; Hereditary neoplastic syndrome. Identifiers: Orphanet 140162, MedGen C0027672, MeSH D009386, MONDO:0015356.
Ataxia-telangiectasia syndrome (AT). Also called: ATAXIA-TELANGIECTASIA, COMPLEMENTATION GROUP A; ATAXIA-TELANGIECTASIA, FRESNO VARIANT; LOUIS-BAR SYNDROME; Ataxia telangiectasia (A-T); Cerebello-oculocutaneous telangiectasia; Immunodeficiency with ataxia telangiectasia. Identifiers: Orphanet 100, MedGen C0004135, MONDO:0008840, OMIM 208900.

Allele frequency attached by ClinVar (database versions not stated): gnomAD exomes below 0.00001.
gnomAD v4.1: 2 of 1,613,796 alleles (0.00012%); highest among the groups gnomAD compares: Non-Finnish European, 0.00017%; no homozygotes.

Submissions (4):

Ambry Genetics
Classification: Uncertain significance for Hereditary cancer-predisposing syndrome. Last evaluated: 2025-05-25. Review status: criteria provided, single submitter. Criteria: Ambry Variant Classification Scheme 2023. Collection method: clinical testing. Allele origin: germline.
Comment: The p.L1050R variant (also known as c.3149T>G), located in coding exon 20 of the ATM gene, results from a T to G substitution at nucleotide position 3149. The leucine at codon 1050 is replaced by arginine, an amino acid with dissimilar properties. This amino acid position is highly conserved in available vertebrate species. In addition, this alteration is predicted to be deleterious by in silico analysis. Based on the available evidence, the clinical significance of this variant remains unclear.

Labcorp Genetics (formerly Invitae), Labcorp
Classification: Uncertain significance for Ataxia-telangiectasia syndrome. Last evaluated: 2024-05-22. Review status: criteria provided, single submitter. Criteria: Invitae Variant Classification Sherloc (09022015). Collection method: clinical testing. Allele origin: germline.
Comment: This sequence change replaces leucine, which is neutral and non-polar, with arginine, which is basic and polar, at codon 1050 of the ATM protein (p.Leu1050Arg). This variant is not present in population databases (gnomAD no frequency). This missense change has been observed in individual(s) with clinical features of ATM-related conditions (PMID: 30303537, 35047863). ClinVar contains an entry for this variant (Variation ID: 629982). An algorithm developed to predict the effect of missense changes on protein structure and function (PolyPhen-2) suggests that this variant is likely to be disruptive. In summary, the available evidence is currently insufficient to determine the role of this variant in disease. Therefore, it has been classified as a Variant of Uncertain Significance.

Baylor Genetics
Classification: Uncertain significance for Familial cancer of breast. Last evaluated: 2023-10-25. Review status: criteria provided, single submitter. Criteria: ACMG Guidelines, 2015. Collection method: clinical testing. Allele origin: unknown.

Color Diagnostics, LLC DBA Color Health
Classification: Uncertain significance for Hereditary cancer-predisposing syndrome. Last evaluated: 2019-04-11. Review status: criteria provided, single submitter. Criteria: ACMG Guidelines, 2015. Collection method: clinical testing. Allele origin: germline.

Literature cited by the submitters: PubMed 30303537 (cited by Labcorp Genetics (formerly Invitae), Labcorp); PubMed 35047863 (cited by Labcorp Genetics (formerly Invitae), Labcorp).